The following is an entry in ClinVar:

NM_005422.4(TECTA):c.5908G>A (p.Ala1970Thr)

Genes: TBCEL-TECTA (TBCEL-TECTA readthrough; plus strand), TECTA (tectorin alpha; plus strand). Cytogenetic location: 11q23.3.
Variant type: single nucleotide variant.
Coding change: c.5908G>A on transcript NM_005422.4 (MANE Select); coding-DNA position 5908, G replaced by A.
Protein change: p.Ala1970Thr; replaces alanine 1970 with threonine.
Molecular consequence: missense variant.
Genome position (GRCh38, 1-based): chr11:121,168,834, G>A. VCF-style: chr11-121168834-G-A. GRCh37 (hg19) VCF-style: chr11-121039543-G-A.
Other names: c.6850G>A, p.Ala2284Thr (NM_001378761.1); short protein forms A1970T, A2284T.
Identifiers: ClinVar variation 303041 (VCV000303041.6), dbSNP rs202079138, ClinGen allele CA6327841.
Genomic context (GRCh38, chr11:121,168,834, plus strand): 5'-GAAGTAGTGTTGACGACTCGAGATGTGCTGTATGTAGGGGTTTTTGTGGTTGGAGCTGAC[G>A]CCACACATTTAATCCTAACACTCAACAAATGCTATGCCACACCCACCCGAGATAGCAATG-3'
Protein context (NP_005413.2, residues 1960-1980): YVGVFVVGAD[Ala1970Thr]THLILTLNKC

ClinVar aggregate classification (germline): Conflicting classifications of pathogenicity. Review status: criteria provided, conflicting classifications (1 of 4 stars). 3 submissions from 2 submitters: Uncertain significance (1); Likely benign (1). 1 of the submissions does not count toward it. Last evaluated 2018-01-12.

Conditions:
TECTA-related disorder. Also called: TECTA-related condition.
Autosomal recessive nonsyndromic hearing loss 21. Identifiers: Orphanet 90636, MedGen C1863655, MONDO:0011351, OMIM 603629.
Autosomal dominant nonsyndromic hearing loss 12. Also called: DEAFNESS, AUTOSOMAL DOMINANT 8. Identifiers: Orphanet 90635, MedGen C1832187, MONDO:0011102, OMIM 601543.

Allele frequency attached by ClinVar (database versions not stated): gnomAD 0.00001 and 0.00004; TOPMed 0.00003; ExAC 0.00009; gnomAD exomes 0.00010; 1000 Genomes Project 30x 0.00062; 1000 Genomes Project 0.00080.
gnomAD v4.1: 55 of 1,614,066 alleles (0.0034%); highest among the groups gnomAD compares: East Asian, 0.1%; no homozygotes.

Submissions (3):

Illumina Laboratory Services, Illumina
Classification: Uncertain significance for Autosomal recessive nonsyndromic hearing loss 21. Last evaluated: 2018-01-12. Review status: criteria provided, single submitter. Criteria: ICSL Variant Classification Criteria 13 December 2019. Collection method: clinical testing. Allele origin: germline.

Illumina Laboratory Services, Illumina
Classification: Likely benign for Autosomal dominant nonsyndromic hearing loss 12. Last evaluated: 2018-01-12. Review status: criteria provided, single submitter. Criteria: ICSL Variant Classification Criteria 13 December 2019. Collection method: clinical testing. Allele origin: germline.
Comment: This variant was observed in the ICSL laboratory as part of a predisposition screen in an ostensibly healthy population. It had not been previously curated by ICSL or reported in the Human Gene Mutation Database (HGMD: prior to June 1st, 2018), and was therefore a candidate for classification through an automated scoring system. Utilizing variant allele frequency, disease prevalence and penetrance estimates, and inheritance mode, an automated score was calculated to assess if this variant is too frequent to cause the disease. Based on the score and internal cut-off values, a variant classified as likely benign is not then subjected to further curation. The score for this variant resulted in a classification of likely benign for this disease.

PreventionGenetics, part of Exact Sciences
Classification: Uncertain significance for TECTA-related condition. Last evaluated: 2024-07-12. Review status: no assertion criteria provided. Collection method: clinical testing. Allele origin: germline. Not counted in ClinVar's aggregate classification.
Comment: The TECTA c.5908G>A variant is predicted to result in the amino acid substitution p.Ala1970Thr. This variant was reported in an individual with sensorineural hearing loss (Iwasa et al. 2016. PubMed ID: 27911912). This variant is reported in 0.11% of alleles in individuals of East Asian descent in gnomAD. Although we suspect that this variant may be benign, at this time, the clinical significance of this variant is uncertain due to the absence of conclusive functional and genetic evidence.